The following is an entry in ClinVar:

NM_153252.5(BRWD3):c.4253G>A (p.Arg1418Gln)

Gene: BRWD3 (bromodomain and WD repeat domain containing 3; minus strand). Cytogenetic location: Xq21.1.
Variant type: single nucleotide variant.
Coding change: c.4253G>A on transcript NM_153252.5 (MANE Select); coding-DNA position 4253, G replaced by A.
Protein change: p.Arg1418Gln; replaces arginine 1418 with glutamine.
Molecular consequence: missense variant.
Genome position (GRCh38, 1-based): chrX:80,682,609, C>T on the plus strand (G>A on the coding strand, the complement: BRWD3 is on the minus strand). VCF-style: chrX-80682609-C-T. GRCh37 (hg19) VCF-style: chrX-79938108-C-T.
Other names: short protein forms R1418Q.
Identifiers: ClinVar variation 1739108 (VCV001739108.2), dbSNP rs1401711800, ClinGen allele CA413610150.

ClinVar aggregate classification (germline): Uncertain significance (1 of 4 stars; one submission).

Conditions:
Inborn genetic diseases. Identifiers: MedGen C0950123, MeSH D030342.

Allele frequency attached by ClinVar (database versions not stated): gnomAD exomes below 0.00001; TOPMed 0.00002; gnomAD 0.00003.
gnomAD v4.1: 4 of 1,206,472 alleles (0.00033%); highest among the groups gnomAD compares: African/African-American, 0.0018%; no homozygotes.

Submission:

Ambry Genetics
Classification: Uncertain significance for Inborn genetic diseases. Last evaluated: 2018-04-13. Review status: criteria provided, single submitter. Criteria: Ambry Variant Classification Scheme 2023. Collection method: clinical testing. Allele origin: germline.
Comment: The p.R1418Q variant (also known as c.4253G>A), located in coding exon 38 of the BRWD3 gene, results from a G to A substitution at nucleotide position 4253. The arginine at codon 1418 is replaced by glutamine, an amino acid with highly similar properties. This amino acid position is well conserved in available vertebrate species. In addition, this alteration is predicted to be tolerated by in silico analysis. Since supporting evidence is limited at this time, the clinical significance of this alteration remains unclear.